The following is an entry in ClinVar:

ClinVar aggregate classification (germline): Uncertain significance (1 of 4 stars; one submission).

Submission:

Labcorp Genetics (formerly Invitae), Labcorp
Classification: Uncertain significance. Last evaluated: 2022-07-25. Review status: criteria provided, single submitter. Criteria: Invitae Variant Classification Sherloc (09022015). Collection method: clinical testing. Allele origin: germline.
Comment: This sequence change replaces isoleucine, which is neutral and non-polar, with valine, which is neutral and non-polar, at codon 278 of the NTHL1 protein (p.Ile278Val). This variant is not present in population databases (gnomAD no frequency). This variant has not been reported in the literature in individuals affected with NTHL1-related conditions. ClinVar contains an entry for this variant (Variation ID: 663259). Algorithms developed to predict the effect of missense changes on protein structure and function output the following: SIFT: "Not Available"; PolyPhen-2: "Benign"; Align-GVGD: "Not Available". The valine amino acid residue is found in multiple mammalian species, which suggests that this missense change does not adversely affect protein function. In summary, the available evidence is currently insufficient to determine the role of this variant in disease. Therefore, it has been classified as a Variant of Uncertain Significance.

NM_002528.7(NTHL1):c.808A>G (p.Ile270Val)

Gene: NTHL1 (nth like DNA glycosylase 1; minus strand). Cytogenetic location: 16p13.3.
Variant type: single nucleotide variant.
Coding change: c.808A>G on transcript NM_002528.7 (MANE Select); coding-DNA position 808, A replaced by G.
Protein change: p.Ile270Val; replaces isoleucine 270 with valine.
Molecular consequence: missense variant.
Genome position (GRCh38, 1-based): chr16:2,040,031, T>C on the plus strand (A>G on the coding strand, the complement: NTHL1 is on the minus strand). VCF-style: chr16-2040031-T-C. GRCh37 (hg19) VCF-style: chr16-2090032-T-C.
Other names: c.808A>G, p.Ile270Val (LRG_1366t1); c.637A>G, p.Ile213Val (NM_001318193.2); c.478A>G, p.Ile160Val (NM_001318194.2); short protein forms I160V, I270V, I213V.
Identifiers: ClinVar variation 663259 (VCV000663259.10), dbSNP rs1596216098, ClinGen allele CA394287527.
Genomic context (GRCh38, chr16:2,040,031, plus strand): 5'-GGCAGCGAGGGTGCACAGGCAGACAGGTCTGCTGGCCGAAGCCCACCAAGAGTCCATTGA[T>C]CTCGTGCCACAGCTCCCTGTGGGGGTGGGGGCTGGGTCAGTGCTGACAGAGGGCGGGCGG-3'
Protein context (NP_002519.2, residues 260-280): EWLPRELWHE[Ile270Val]NGLLVGFGQQ